The following is an entry in ClinVar:

NM_001048174.2(MUTYH):c.1265A>T (p.Lys422Met)

Gene: MUTYH (mutY DNA glycosylase; minus strand). Cytogenetic location: 1p34.1.
Variant type: single nucleotide variant.
Coding change: c.1265A>T on transcript NM_001048174.2 (MANE Select); coding-DNA position 1265, A replaced by T.
Protein change: p.Lys422Met; replaces lysine 422 with methionine.
Molecular consequence: missense variant. On other transcripts: non-coding transcript variant (2).
Genome position (GRCh38, 1-based): chr1:45,331,309, T>A on the plus strand (A>T on the coding strand, the complement: MUTYH is on the minus strand). VCF-style: chr1-45331309-T-A. GRCh37 (hg19) VCF-style: chr1-45796981-T-A.
Other names: c.1265A>T, p.Lys422Met (NM_001048171.2, NM_001048173.2, NM_001293195.2); c.1268A>T, p.Lys423Met (NM_001048172.2); c.1349A>T, p.Lys450Met (NM_001128425.2); c.1310A>T, p.Lys437Met (NM_001293190.2); c.1298A>T, p.Lys433Met (NM_001293191.2); c.989A>T, p.Lys330Met (NM_001293192.2, NM_001293196.2); c.920A>T, p.Lys307Met (NM_001350650.2, NM_001350651.2); c.1340A>T, p.Lys447Met (NM_012222.3); short protein forms K423M, K433M, K447M, K307M, K422M, K437M, K450M, K330M.
Identifiers: ClinVar variation 1041681 (VCV001041681.8), dbSNP rs1644794295, ClinGen allele CA340132755.

ClinVar aggregate classification (germline): Uncertain significance (1 of 4 stars; one submission).

Conditions:
Familial adenomatous polyposis 2. Also called: Adenomas, multiple colorectal; MUTYH Polyposis; COLORECTAL ADENOMATOUS POLYPOSIS, AUTOSOMAL RECESSIVE; ADENOMAS, MULTIPLE COLORECTAL, AUTOSOMAL RECESSIVE; FAP type 2; MUTYH-associated polyposis. Identifiers: Orphanet 220460, Orphanet 247798, MedGen C3272841, MONDO:0012041, OMIM 608456.

Submission:

Labcorp Genetics (formerly Invitae), Labcorp
Classification: Uncertain significance for Familial adenomatous polyposis 2. Last evaluated: 2020-03-18. Review status: criteria provided, single submitter. Criteria: Invitae Variant Classification Sherloc (09022015). Collection method: clinical testing. Allele origin: germline.
Comment: In summary, the available evidence is currently insufficient to determine the role of this variant in disease. Therefore, it has been classified as a Variant of Uncertain Significance. Algorithms developed to predict the effect of missense changes on protein structure and function (SIFT, PolyPhen-2, Align-GVGD) all suggest that this variant is likely to be disruptive, but these predictions have not been confirmed by published functional studies and their clinical significance is uncertain. In this individual the data is consistent with the variant being in trans (on the opposite chromosome) from a pathogenic variant. This variant is not present in population databases (ExAC no frequency). This sequence change replaces lysine with methionine at codon 450 of the MUTYH protein (p.Lys450Met). The lysine residue is moderately conserved and there is a moderate physicochemical difference between lysine and methionine.